The following is an entry in ClinVar:

ClinVar aggregate classification (germline): Likely pathogenic (0 of 4 stars; one submission).

Conditions:
Variegate porphyria (VP). Also called: PORPHYRIA, SOUTH AFRICAN TYPE; PROTOPORPHYRINOGEN OXIDASE DEFICIENCY; PPOX DEFICIENCY. Identifiers: Orphanet 79473, MedGen C0162532, MONDO:0008297, OMIM 176200.

gnomAD v4.1: 1 of 1,614,080 alleles (0.000062%); highest among the groups gnomAD compares: Non-Finnish European, 0.000085%; no homozygotes.

Submission:

Clinical Genomics Laboratory, Stanford Medicine
Classification: Likely pathogenic for Variegate Porphyria. Last evaluated: 2019-09-26. Review status: no assertion criteria provided. Collection method: clinical testing. Allele origin: germline. Inheritance: Autosomal dominant inheritance. Affected: yes.
Comment: To the best of our knowledge, this variant has not been previously reported; however, a different variant at this same location (c.1291+1G>C) has been previously reported in a single individual with variegate porphyria (Frank et al., 2001). This variant was absent from large population databases, including the Genome Aggregation Database. The c.1291+1G>T variant alters the canonical 5â€™ donor splice site in intron 12, which is predicted to result in abnormal gene splicing. Heterozygous loss of function is an established mechanism of disease for the PPOX gene (reviewed in Yasuda et al., 2018), and several variants predicted to result in abnormal splicing of intron 12 have been previously associated with disease (Whatley et al., 1999; Wiman et al, 2003). These data were assessed using the ACMG/AMP variant interpretation guidelines. In summary, there is sufficient evidence to classify the c.1291+1G>T variant as likely pathogenic for autosomal dominant variegate porphyria based on the information above. [ACMG evidence codes used: PVS1_strong; PM2]

NM_001122764.3(PPOX):c.1291+1G>T

Gene: PPOX (protoporphyrinogen oxidase; plus strand). Cytogenetic location: 1q23.3.
Variant type: single nucleotide variant.
Coding change: c.1291+1G>T on transcript NM_001122764.3 (MANE Select); the canonical splice donor site of the intron after coding-DNA position 1291, G replaced by T.
Molecular consequence: splice donor variant.
Genome position (GRCh38, 1-based): chr1:161,170,950, G>T. VCF-style: chr1-161170950-G-T. GRCh37 (hg19) VCF-style: chr1-161140740-G-T.
Other names: c.805+1G>T (NM_001350130.2, NM_001350131.2, NM_001365401.1); c.1192+1G>T (NM_001350128.2); c.883+1G>T (NM_001350129.2, NM_001365400.1); c.1180+1G>T (NM_001365399.1); c.1291+1G>T (NM_000309.5, NM_001365398.1).
Identifiers: ClinVar variation 976468 (VCV000976468.1), dbSNP rs1571418365, ClinGen allele CA343358840.
Genomic context (GRCh38, chr1:161,170,950, plus strand): 5'-CTCTCCTCTCTTCTCAGAACTGCATTCCCCAGTATACACTAGGTCACTGGCAAAAACTAG[G>T]TAAGTTGGGAAAACAGCTGGGCTGAGGAGGGCCAAGGACATCAGACCCCCAGCTAAAACA-3'